The following is an entry in ClinVar:

NM_020297.4(ABCC9):c.1912-66G>A

Gene: ABCC9 (ATP binding cassette subfamily C member 9; minus strand). Cytogenetic location: 12p12.1.
Variant type: single nucleotide variant.
Coding change: c.1912-66G>A on transcript NM_020297.4 (MANE Select); 66 bases into the intron before coding-DNA position 1912, G replaced by A.
Molecular consequence: intron variant.
Genome position (GRCh38, 1-based): chr12:21,882,939, C>T on the plus strand (G>A on the coding strand, the complement: ABCC9 is on the minus strand). VCF-style: chr12-21882939-C-T. GRCh37 (hg19) VCF-style: chr12-22035873-C-T.
Other names: c.1048-66G>A (NM_001377274.1); c.1912-66G>A (NM_005691.4, NM_001377273.1).
Identifiers: ClinVar variation 671057 (VCV000671057.5), dbSNP rs1356368, ClinGen allele CA233620529.
Genomic context (GRCh38, chr12:21,882,939, plus strand): 5'-TTCCAAATGGAAAAGAACACAAGTTGAGGCTTTATTAAAAAAATGAAGTTTTACTGAACA[C>T]TTACTCACATTGCTACCTAAGTTCCAAGAAAAAGAAGTGGATGTTATATTTTAATTATTT-3'

ClinVar aggregate classification (germline): Benign. Review status: criteria provided, multiple submitters, no conflicts (2 of 4 stars). 3 submissions from 3 submitters: Benign (3). Last evaluated 2021-07-14.

Conditions:
Hypertrichotic osteochondrodysplasia Cantu type. Also called: Cantú Syndrome; Cantu Syndrome. Identifiers: Orphanet 1517, MedGen C0795905, MONDO:0009406, OMIM 239850.

Allele frequency attached by ClinVar (database versions not stated): 1000 Genomes Project 30x 0.52780; 1000 Genomes Project 0.53474; TOPMed 0.58726; gnomAD 0.61280 and 0.61810; gnomAD exomes 0.74677.
gnomAD v4.1: 890,514 of 1,220,946 alleles (73%); highest among the groups gnomAD compares: Non-Finnish European, 78%; 335,379 homozygotes.

Submissions (3):

Genome-Nilou Lab
Classification: Benign for Hypertrichotic osteochondrodysplasia Cantu type. Last evaluated: 2021-07-14. Review status: criteria provided, single submitter. Criteria: ACMG Guidelines, 2015. Collection method: clinical testing. Allele origin: germline. Affected: no.

GeneDx
Classification: Benign. Last evaluated: 2018-06-15. Review status: criteria provided, single submitter. Criteria: GeneDx Variant Classification (06012015). Collection method: clinical testing. Allele origin: germline. Affected: yes.
Comment: This variant is considered likely benign or benign based on one or more of the following criteria: it is a conservative change, it occurs at a poorly conserved position in the protein, it is predicted to be benign by multiple in silico algorithms, and/or has population frequency not consistent with disease.

Breakthrough Genomics
Classification: Benign. Review status: criteria provided, single submitter. Criteria: ACMG Guidelines, 2015. Collection method: not provided. Allele origin: germline. Inheritance: Autosomal recessive inheritance. Affected: yes.